The following is an entry in ClinVar:

ClinVar aggregate classification (germline): Conflicting classifications of pathogenicity. Review status: criteria provided, conflicting classifications (1 of 4 stars). 2 submissions from 2 submitters: Uncertain significance (1); Likely benign (1). Last evaluated 2025-11-13.

Conditions:
Inborn genetic diseases. Identifiers: MedGen C0950123, MeSH D030342.

Allele frequency attached by ClinVar (database versions not stated): ExAC 0.00005.
gnomAD v4.1: 23 of 1,583,236 alleles (0.0015%); highest among the groups gnomAD compares: Admixed American, 0.0037%; no homozygotes.

Submissions (2):

Ambry Genetics
Classification: Likely benign for Inborn genetic diseases. Last evaluated: 2025-11-13. Review status: criteria provided, single submitter. Criteria: Ambry Variant Classification Scheme 2023. Collection method: clinical testing. Allele origin: germline.

Labcorp Genetics (formerly Invitae), Labcorp
Classification: Uncertain significance. Last evaluated: 2022-09-07. Review status: criteria provided, single submitter. Criteria: Invitae Variant Classification Sherloc (09022015). Collection method: clinical testing. Allele origin: germline.
Comment: This sequence change replaces valine, which is neutral and non-polar, with isoleucine, which is neutral and non-polar, at codon 137 of the DOCK6 protein (p.Val137Ile). The frequency data for this variant in the population databases is considered unreliable, as metrics indicate poor data quality at this position in the gnomAD database. This variant has not been reported in the literature in individuals affected with DOCK6-related conditions. Algorithms developed to predict the effect of missense changes on protein structure and function output the following: SIFT: "Tolerated"; PolyPhen-2: "Benign"; Align-GVGD: "Class C0". The isoleucine amino acid residue is found in multiple mammalian species, which suggests that this missense change does not adversely affect protein function. In summary, the available evidence is currently insufficient to determine the role of this variant in disease. Therefore, it has been classified as a Variant of Uncertain Significance.

NM_020812.4(DOCK6):c.409G>A (p.Val137Ile)

Gene: DOCK6 (dedicator of cytokinesis 6; minus strand). Cytogenetic location: 19p13.2.
Variant type: single nucleotide variant.
Coding change: c.409G>A on transcript NM_020812.4 (MANE Select); coding-DNA position 409, G replaced by A.
Protein change: p.Val137Ile; replaces valine 137 with isoleucine.
Molecular consequence: missense variant.
Genome position (GRCh38, 1-based): chr19:11,252,217, C>T on the plus strand (G>A on the coding strand, the complement: DOCK6 is on the minus strand). VCF-style: chr19-11252217-C-T. GRCh37 (hg19) VCF-style: chr19-11362893-C-T.
Other names: c.409G>A, p.Val137Ile (NM_001367830.1); c.409G>A (NM_020812.2); short protein forms V137I.
Identifiers: ClinVar variation 2150267 (VCV002150267.2), dbSNP rs760454261, ClinGen allele CA9208500.